The following is an entry in ClinVar:

ClinVar aggregate classification (germline): Uncertain significance. Review status: criteria provided, multiple submitters, no conflicts (2 of 4 stars). 2 submissions from 2 submitters: Uncertain significance (2). Last evaluated 2025-03-27.

Conditions:
Inborn genetic diseases. Identifiers: MedGen C0950123, MeSH D030342.
MHC class I deficiency. Identifiers: Orphanet 34592, MedGen C6024714, MONDO:0011476.

Allele frequency attached by ClinVar (database versions not stated): ExAC 0.00003; gnomAD 0.00004 and 0.00005; TOPMed 0.00005; ESP Exome Variant Server 0.00012; 1000 Genomes Project 30x 0.00031; gnomAD exomes 0.00004 and 0.00003.
gnomAD v4.1: 55 of 1,611,100 alleles (0.0034%); highest among the groups gnomAD compares: South Asian, 0.0055%; no homozygotes.

Submissions (2):

Ambry Genetics
Classification: Uncertain significance for Inborn genetic diseases. Last evaluated: 2025-03-27. Review status: criteria provided, single submitter. Criteria: Ambry Variant Classification Scheme 2023. Collection method: clinical testing. Allele origin: germline.

Labcorp Genetics (formerly Invitae), Labcorp
Classification: Uncertain significance for MHC class I deficiency 1. Last evaluated: 2022-07-26. Review status: criteria provided, single submitter. Criteria: Invitae Variant Classification Sherloc (09022015). Collection method: clinical testing. Allele origin: germline.
Comment: Algorithms developed to predict the effect of missense changes on protein structure and function (SIFT, PolyPhen-2, Align-GVGD) all suggest that this variant is likely to be tolerated. ClinVar contains an entry for this variant (Variation ID: 849349). This variant has not been reported in the literature in individuals affected with TAP1-related conditions. This variant is present in population databases (rs45538133, gnomAD 0.007%). This sequence change replaces alanine, which is neutral and non-polar, with threonine, which is neutral and polar, at codon 119 of the TAP1 protein (p.Ala119Thr). In summary, the available evidence is currently insufficient to determine the role of this variant in disease. Therefore, it has been classified as a Variant of Uncertain Significance.

NM_000593.6(TAP1):c.175G>A (p.Ala59Thr)

Gene: TAP1 (transporter 1, ATP binding cassette subfamily B member; minus strand). Cytogenetic location: 6p21.32.
Variant type: single nucleotide variant.
Coding change: c.175G>A on transcript NM_000593.6 (MANE Select); coding-DNA position 175, G replaced by A.
Protein change: p.Ala59Thr; replaces alanine 59 with threonine.
Molecular consequence: missense variant.
Genome position (GRCh38, 1-based): chr6:32,853,462, C>T on the plus strand (G>A on the coding strand, the complement: TAP1 is on the minus strand). VCF-style: chr6-32853462-C-T. GRCh37 (hg19) VCF-style: chr6-32821239-C-T.
Other names: short protein forms A119T, A59T.
Identifiers: ClinVar variation 849349 (VCV000849349.9), dbSNP rs45538133, ClinGen allele CA3747054.